The following is an entry in ClinVar:

NM_000138.5(FBN1):c.6313G>T (p.Glu2105Ter)

Gene: FBN1 (fibrillin 1; minus strand). Cytogenetic location: 15q21.1.
Variant type: single nucleotide variant.
Coding change: c.6313G>T on transcript NM_000138.5 (MANE Select); coding-DNA position 6313, G replaced by T.
Protein change: p.Glu2105Ter; replaces glutamic acid 2105 with a stop codon.
Molecular consequence: nonsense.
Genome position (GRCh38, 1-based): chr15:48,437,768, C>A on the plus strand (G>T on the coding strand, the complement: FBN1 is on the minus strand). VCF-style: chr15-48437768-C-A. GRCh37 (hg19) VCF-style: chr15-48729965-C-A.
Other names: short protein forms E2105*.
Identifiers: ClinVar variation 519755 (VCV000519755.10), dbSNP rs794728247, ClinGen allele CA392336885.

ClinVar aggregate classification (germline): Pathogenic. Review status: criteria provided, multiple submitters, no conflicts (2 of 4 stars). 2 submissions from 2 submitters: Pathogenic (2). Last evaluated 2022-04-16.

Conditions:
Familial thoracic aortic aneurysm and aortic dissection (TAAD). Also called: Thoracic aortic aneurysms and dissections. Identifiers: Orphanet 91387, MedGen C4707243, MONDO:0019625.
Marfan syndrome (MFS). Also called: Marfan syndrome type 1; Marfan syndrome, classic; Marfan's syndrome; FBN1-Related Marfan Syndrome; MARFAN SYNDROME, TYPE I. Identifiers: Orphanet 284963, Orphanet 558, MedGen C0024796, MONDO:0007947, OMIM 154700.

Submissions (2):

Labcorp Genetics (formerly Invitae), Labcorp
Classification: Pathogenic for Marfan syndrome; Familial thoracic aortic aneurysm and aortic dissection. Last evaluated: 2022-04-16. Review status: criteria provided, single submitter. Criteria: Invitae Variant Classification Sherloc (09022015). Collection method: clinical testing. Allele origin: germline.
Comment: For these reasons, this variant has been classified as Pathogenic. Algorithms developed to predict the effect of sequence changes on RNA splicing suggest that this variant may disrupt the consensus splice site. ClinVar contains an entry for this variant (Variation ID: 519755). This variant has not been reported in the literature in individuals affected with FBN1-related conditions. This variant is not present in population databases (gnomAD no frequency). This sequence change creates a premature translational stop signal (p.Glu2105*) in the FBN1 gene. It is expected to result in an absent or disrupted protein product. Loss-of-function variants in FBN1 are known to be pathogenic (PMID: 17657824, 19293843).

Ambry Genetics
Classification: Pathogenic for Familial thoracic aortic aneurysm and aortic dissection. Last evaluated: 2017-01-12. Review status: criteria provided, single submitter. Criteria: Ambry Variant Classification Scheme 2023. Collection method: clinical testing. Allele origin: germline.
Comment: The p.E2105* pathogenic mutation (also known as c.6313G>T), located in coding exon 50 of the FBN1 gene, results from a G to T substitution at nucleotide position 6313. This changes the amino acid from a glutamic acid to a stop codon within coding exon 50, and is located in the TGFBP #06 domain. This alteration is expected to result in loss of function by premature protein truncation or nonsense-mediated mRNA decay. As such, this alteration is interpreted as a disease-causing mutation.

Literature cited by the submitters: PubMed 17657824 (cited by Labcorp Genetics (formerly Invitae), Labcorp); PubMed 19293843 (cited by Labcorp Genetics (formerly Invitae), Labcorp).